The following is an entry in ClinVar:

ClinVar aggregate classification (germline): Conflicting classifications of pathogenicity. Review status: criteria provided, conflicting classifications (1 of 4 stars). 5 submissions from 5 submitters: Pathogenic (2); Likely pathogenic (2); Uncertain significance (1). Last evaluated 2025-12-04.

Conditions:
Hereditary cancer-predisposing syndrome. Also called: Tumor predisposition; Neoplastic Syndromes, Hereditary; Hereditary neoplastic syndrome; Hereditary Cancer Syndrome. Identifiers: Orphanet 140162, MedGen C0027672, MeSH D009386, MONDO:0015356.
Hereditary leiomyomatosis and renal cell cancer. Also called: FH tumor predisposition syndrome; Reed syndrome; Multiple cutaneous and uterine leiomyomatosis; Cutaneous leiomyomata with uterine leiomyomata; Leiomyoma, hereditary multiple, of skin; Multiple cutaneous and uterine leiomyomata. Identifiers: Orphanet 523, MedGen C1708350, MONDO:0007888, OMIM 150800, HP:0007437. Disease mechanism: loss of function.

Allele frequency attached by ClinVar (database versions not stated): TOPMed below 0.00001; gnomAD 0.00001.

Submissions (5):

Ambry Genetics
Classification: Pathogenic for Hereditary cancer-predisposing syndrome. Last evaluated: 2025-12-04. Review status: criteria provided, single submitter. Criteria: Ambry Variant Classification Scheme 2023. Collection method: clinical testing. Allele origin: germline.
Comment: The p.C434Y pathogenic mutation (also known as c.1301G>A), located in coding exon 9 of the FH gene, results from a G to A substitution at nucleotide position 1301. The cysteine at codon 434 is replaced by tyrosine, an amino acid with highly dissimilar properties. This alteration has been identified in multiple individuals with FH-related features, including cutaneous and uterine leiomyomas (Ambry internal data). This variant was not reported in population-based cohorts in the Genome Aggregation Database (gnomAD). This amino acid position is highly conserved in available vertebrate species. In addition, this alteration is predicted to be deleterious by in silico analysis. Based on the supporting evidence, this variant is interpreted as a disease-causing mutation.

Labcorp Genetics (formerly Invitae), Labcorp
Classification: Pathogenic. Last evaluated: 2025-08-24. Review status: criteria provided, single submitter. Criteria: Invitae Variant Classification Sherloc (09022015). Collection method: clinical testing. Allele origin: germline.
Comment: This sequence change replaces cysteine, which is neutral and slightly polar, with tyrosine, which is neutral and polar, at codon 434 of the FH protein (p.Cys434Tyr). This variant is not present in population databases (gnomAD no frequency). This missense change has been observed in individuals with hereditary leiomyomatosis and renal cell cancer (HLRCC) (PMID: 25004247; internal data). ClinVar contains an entry for this variant (Variation ID: 92453). Invitae Evidence Modeling of protein sequence and biophysical properties (such as structural, functional, and spatial information, amino acid conservation, physicochemical variation, residue mobility, and thermodynamic stability) indicates that this missense variant is expected to disrupt FH protein function with a positive predictive value of 95%. Experimental studies have shown that this missense change affects FH function (PMID: 25004247). For these reasons, this variant has been classified as Pathogenic.

GeneDx
Classification: Likely pathogenic. Last evaluated: 2024-09-13. Review status: criteria provided, single submitter. Criteria: GeneDx Variant Classification Process June 2021. Collection method: clinical testing. Allele origin: germline. Affected: yes.
Comment: Published functional studies suggest a damaging effect: increased intracellular fumarate levels compared to wild-type (PMID: 25004247); In silico analysis supports that this missense variant has a deleterious effect on protein structure/function; Not observed at significant frequency in large population cohorts (gnomAD); This variant is associated with the following publications: (PMID: 26839173, 23757202, 25004247, 35821608, 33848143, 36777509, 36773955)

Myriad Genetics, Inc.
Classification: Likely pathogenic for Hereditary leiomyomatosis and renal cell cancer. Last evaluated: 2023-07-10. Review status: criteria provided, single submitter. Criteria: Myriad Autosomal Dominant, Autosomal Recessive and X-Linked Classification Criteria (2023). Collection method: clinical testing. Allele origin: unknown.
Comment: This variant is considered likely pathogenic. This variant has been reported in multiple individuals with clinical features of gene-specific disease [PMID: 25004247]. Functional studies indicate this variant impacts protein function [PMID: 25004247]. This variant is expected to disrupt protein structure [Myriad internal data].

Eurofins Ntd Llc (ga)
Classification: Uncertain significance. Last evaluated: 2013-03-06. Review status: criteria provided, single submitter. Criteria: EGL Classification Definitions 2015. Collection method: clinical testing. Allele origin: germline. Observed: 1 variant allele, 1 heterozygote.

Literature cited by the submitters: PubMed 25004247 (cited by 3 submitters).

NM_000143.4(FH):c.1301G>A (p.Cys434Tyr)

Gene: FH (fumarate hydratase; minus strand). Cytogenetic location: 1q43.
Variant type: single nucleotide variant.
Coding change: c.1301G>A on transcript NM_000143.4 (MANE Select); coding-DNA position 1301, G replaced by A.
Protein change: p.Cys434Tyr; replaces cysteine 434 with tyrosine.
Molecular consequence: missense variant.
Genome position (GRCh38, 1-based): chr1:241,500,526, C>T on the plus strand (G>A on the coding strand, the complement: FH is on the minus strand). VCF-style: chr1-241500526-C-T. GRCh37 (hg19) VCF-style: chr1-241663826-C-T.
Other names: p.C434Y:TGC>TAC.
Identifiers: ClinVar variation 92453 (VCV000092453.25), dbSNP rs398123164, ClinGen allele CA285326.